The following is an entry in ClinVar:

NM_006231.4(POLE):c.4759G>T (p.Val1587Phe)

Gene: POLE (DNA polymerase epsilon, catalytic subunit; minus strand). Cytogenetic location: 12q24.33.
Variant type: single nucleotide variant.
Coding change: c.4759G>T on transcript NM_006231.4 (MANE Select); coding-DNA position 4759, G replaced by T.
Protein change: p.Val1587Phe; replaces valine 1587 with phenylalanine.
Molecular consequence: missense variant.
Genome position (GRCh38, 1-based): chr12:132,642,699, C>A on the plus strand (G>T on the coding strand, the complement: POLE is on the minus strand). VCF-style: chr12-132642699-C-A. GRCh37 (hg19) VCF-style: chr12-133219285-C-A.
Other names: short protein forms V1587F.
Identifiers: ClinVar variation 851873 (VCV000851873.12), dbSNP rs372388555, ClinGen allele CA387378488.

ClinVar aggregate classification (germline): Uncertain significance. Review status: criteria provided, multiple submitters, no conflicts (2 of 4 stars). 2 submissions from 2 submitters: Uncertain significance (2). Last evaluated 2025-07-02.

Conditions:
Hereditary cancer-predisposing syndrome. Also called: Neoplastic Syndromes, Hereditary; Hereditary Cancer Syndrome; Tumor predisposition; Hereditary neoplastic syndrome. Identifiers: Orphanet 140162, MedGen C0027672, MeSH D009386, MONDO:0015356.

gnomAD v4.1: 46 of 1,613,810 alleles (0.0029%); highest among the groups gnomAD compares: Non-Finnish European, 0.0039%; no homozygotes.

Submissions (2):

Labcorp Genetics (formerly Invitae), Labcorp
Classification: Uncertain significance. Last evaluated: 2025-07-02. Review status: criteria provided, single submitter. Criteria: Invitae Variant Classification Sherloc (09022015). Collection method: clinical testing. Allele origin: germline.
Comment: This sequence change replaces valine, which is neutral and non-polar, with phenylalanine, which is neutral and non-polar, at codon 1587 of the POLE protein (p.Val1587Phe). This variant is not present in population databases (gnomAD no frequency). This variant has not been reported in the literature in individuals affected with POLE-related conditions. ClinVar contains an entry for this variant (Variation ID: 851873). Invitae Evidence Modeling of protein sequence and biophysical properties (such as structural, functional, and spatial information, amino acid conservation, physicochemical variation, residue mobility, and thermodynamic stability) indicates that this missense variant is not expected to disrupt POLE protein function with a negative predictive value of 80%. In summary, the available evidence is currently insufficient to determine the role of this variant in disease. Therefore, it has been classified as a Variant of Uncertain Significance.

Ambry Genetics
Classification: Uncertain significance for Hereditary cancer-predisposing syndrome. Last evaluated: 2022-05-24. Review status: criteria provided, single submitter. Criteria: Ambry Variant Classification Scheme 2023. Collection method: clinical testing. Allele origin: germline.
Comment: The p.V1587F variant (also known as c.4759G>T), located in coding exon 37 of the POLE gene, results from a G to T substitution at nucleotide position 4759. The valine at codon 1587 is replaced by phenylalanine, an amino acid with highly similar properties. This amino acid position is conserved. In addition, this alteration is predicted to be tolerated by in silico analysis. Since supporting evidence is limited at this time, the clinical significance of this alteration remains unclear.